The following is an entry in ClinVar:

ClinVar aggregate classification (germline): Uncertain significance (1 of 4 stars; one submission).

gnomAD v4.1: 32 of 1,614,108 alleles (0.002%); highest among the groups gnomAD compares: African/African-American, 0.0053%; no homozygotes.

Submission:

Labcorp Genetics (formerly Invitae), Labcorp
Classification: Uncertain significance. Last evaluated: 2023-03-19. Review status: criteria provided, single submitter. Criteria: Invitae Variant Classification Sherloc (09022015). Collection method: clinical testing. Allele origin: germline.
Comment: This sequence change replaces arginine, which is basic and polar, with cysteine, which is neutral and slightly polar, at codon 63 of the NDUFB10 protein (p.Arg63Cys). This variant is present in population databases (rs372043257, gnomAD 0.003%). This variant has not been reported in the literature in individuals affected with NDUFB10-related conditions. An algorithm developed to predict the effect of missense changes on protein structure and function (PolyPhen-2) suggests that this variant is likely to be tolerated. In summary, the available evidence is currently insufficient to determine the role of this variant in disease. Therefore, it has been classified as a Variant of Uncertain Significance.

NM_004548.3(NDUFB10):c.187C>T (p.Arg63Cys)

Gene: NDUFB10 (NADH:ubiquinone oxidoreductase subunit B10; plus strand). Cytogenetic location: 16p13.3.
Variant type: single nucleotide variant.
Coding change: c.187C>T on transcript NM_004548.3 (MANE Select); coding-DNA position 187, C replaced by T.
Protein change: p.Arg63Cys; replaces arginine 63 with cysteine.
Molecular consequence: missense variant.
Genome position (GRCh38, 1-based): chr16:1,961,209, C>T. VCF-style: chr16-1961209-C-T. GRCh37 (hg19) VCF-style: chr16-2011210-C-T.
Other names: short protein forms R63C.
Identifiers: ClinVar variation 2869372 (VCV002869372.3), dbSNP rs372043257, ClinGen allele CA7823272.